The following is an entry in ClinVar:

NM_001205293.3(CACNA1E):c.985C>T (p.Leu329=)

Gene: CACNA1E (calcium voltage-gated channel subunit alpha1 E; plus strand). Cytogenetic location: 1q25.3.
Variant type: single nucleotide variant.
Coding change: c.985C>T on transcript NM_001205293.3 (MANE Select); coding-DNA position 985, C replaced by T.
Protein change: p.Leu329=; no amino-acid change (leucine 329 retained).
Molecular consequence: synonymous variant.
Genome position (GRCh38, 1-based): chr1:181,651,371, C>T. VCF-style: chr1-181651371-C-T. GRCh37 (hg19) VCF-style: chr1-181620507-C-T.
Other names: c.985C>T, p.Leu329= (NM_000721.4, NM_001205294.2).
Identifiers: ClinVar variation 3349711 (VCV003349711.1).
Genomic context (GRCh38, chr1:181,651,371, plus strand): 5'-TTAAGGAACCATTTTTCTTTCTTTCAGACCAATGATGCCTTAGGAGCCACCTGGAATTGG[C>T]TGTACTTCATCCCCCTCATCATCATTGGATCCTTCTTTGTTCTCAACCTAGTCCTGGGAG-3'
Protein context (NP_001192222.1, residues 319-339): NDALGATWNW[Leu329=]YFIPLIIIGS

ClinVar aggregate classification (germline): Likely benign (0 of 4 stars; one submission).

Conditions:
CACNA1E-related disorder. Also called: CACNA1E-related condition.

gnomAD v4.1: 3 of 1,613,748 alleles (0.00019%); highest among the groups gnomAD compares: Non-Finnish European, 0.00025%; no homozygotes.

Submission:

PreventionGenetics, part of Exact Sciences
Classification: Likely benign for CACNA1E-related condition. Last evaluated: 2024-05-07. Review status: no assertion criteria provided. Collection method: clinical testing. Allele origin: germline.
Comment: This variant is classified as likely benign based on ACMG/AMP sequence variant interpretation guidelines (Richards et al. 2015 PMID: 25741868, with internal and published modifications).